The following is an entry in ClinVar:

ClinVar aggregate classification (germline): Pathogenic. Review status: criteria provided, single submitter (1 of 4 stars). 3 submissions from 2 submitters: Pathogenic (2). 1 of the submissions does not count toward it. Last evaluated 2016-01-01.

Conditions:
Hereditary angioedema type 3 (HAE3). Also called: ANGIONEUROTIC EDEMA, HEREDITARY, WITH NORMAL C1 INHIBITOR CONCENTRATION AND FUNCTION; ESTROGEN-RELATED HAE; ESTROGEN-SENSITIVE HAE; HAE WITH NORMAL C1 INHIBITOR CONCENTRATION AND FUNCTION. Identifiers: Orphanet 100054, MedGen C1857728, MONDO:0012526, OMIM 610618.
Factor XII deficiency disease. Also called: Reduced factor XII activity; Congenital factor XII deficiency; F12 DEFICIENCY; HAF DEFICIENCY. Identifiers: Orphanet 330, MedGen C0015526, MONDO:0009315, OMIM 234000, HP:0004841.
Angioedema. Identifiers: MedGen C0002994, MeSH D000799, MONDO:0010481, HP:0100665.
Hypertensive disorder. Also called: Hypertension. Identifiers: MedGen C0020538, MONDO:0005044, HP:0000822.
Urticaria. Also called: Urticaria (disease). Identifiers: MedGen C0042109, MONDO:0005492, HP:0001025.
Hyperbilirubinemia. Identifiers: MedGen C0311468, MONDO:0024288, HP:0002904.

Submissions (3):

Centre for Mendelian Genomics, University Medical Centre Ljubljana
Classification: Pathogenic for Factor XII deficiency disease. Last evaluated: 2016-01-01. Review status: criteria provided, single submitter. Criteria: ACMG Guidelines, 2015. Collection method: clinical testing. Allele origin: unknown. Affected: yes.
Comment: This variant was classified as: Pathogenic.

Centre for Mendelian Genomics, University Medical Centre Ljubljana
Classification: Pathogenic for Angioedema; Hyperbilirubinemia; Hypertensive disorder; Urticaria. Last evaluated: 2015-01-06. Review status: criteria provided, single submitter. Criteria: ACMG Guidelines, 2015. Collection method: clinical testing. Allele origin: unknown. Affected: yes.

OMIM
Classification: Pathogenic for ANGIOEDEMA, HEREDITARY, TYPE III. Last evaluated: 2006-05-19. Review status: no assertion criteria provided. Collection method: literature only. Allele origin: germline. Not counted in ClinVar's aggregate classification.

Literature cited by the submitters: PubMed 16638441 (cited by OMIM).

NM_000505.4(F12):c.983C>G (p.Thr328Arg)

Gene: F12 (coagulation factor XII; minus strand). Cytogenetic location: 5q35.3.
Variant type: single nucleotide variant.
Coding change: c.983C>G on transcript NM_000505.4 (MANE Select); coding-DNA position 983, C replaced by G.
Protein change: p.Thr328Arg; replaces threonine 328 with arginine.
Molecular consequence: missense variant.
Genome position (GRCh38, 1-based): chr5:177,404,231, G>C on the plus strand (C>G on the coding strand, the complement: F12 is on the minus strand). VCF-style: chr5-177404231-G-C. GRCh37 (hg19) VCF-style: chr5-176831232-G-C.
Other names: F12, THR309ARG; T309R; Thr328Arg; short protein forms T328R.
Identifiers: ClinVar variation 1170 (VCV000001170.5), dbSNP rs118204456, ClinGen allele CA114819.